The following is an entry in ClinVar:

NM_014709.4(USP34):c.1970A>C (p.Asp657Ala)

Gene: USP34 (ubiquitin specific peptidase 34; minus strand). Cytogenetic location: 2p15.
Variant type: single nucleotide variant.
Coding change: c.1970A>C on transcript NM_014709.4 (MANE Select); coding-DNA position 1970, A replaced by C.
Protein change: p.Asp657Ala; replaces aspartic acid 657 with alanine.
Molecular consequence: missense variant.
Genome position (GRCh38, 1-based): chr2:61,348,185, T>G on the plus strand (A>C on the coding strand, the complement: USP34 is on the minus strand). VCF-style: chr2-61348185-T-G. GRCh37 (hg19) VCF-style: chr2-61575320-T-G.
Other names: short protein forms D657A.
Identifiers: ClinVar variation 4891359 (VCV004891359.1).

ClinVar aggregate classification (germline): Uncertain significance (1 of 4 stars; one submission).

gnomAD v4.1: 10 of 1,613,996 alleles (0.00062%); highest among the groups gnomAD compares: Non-Finnish European, 0.00076%; no homozygotes.

Submission:

GeneDx
Classification: Uncertain significance. Last evaluated: 2023-04-28. Review status: criteria provided, single submitter. Criteria: GeneDx Variant Classification Process June 2021. Collection method: clinical testing. Allele origin: germline.
Comment: In silico analysis supports that this missense variant does not alter protein structure/function; Has not been previously published as pathogenic or benign to our knowledge; Variants in candidate genes are classified as variants of uncertain significance in accordance with ACMG guidelines (Richards et al., 2015)